The following is an entry in ClinVar:

NM_002180.3(IGHMBP2):c.449+2T>A

Gene: IGHMBP2 (immunoglobulin mu DNA binding protein 2; plus strand). Cytogenetic location: 11q13.3.
Variant type: single nucleotide variant.
Coding change: c.449+2T>A on transcript NM_002180.3 (MANE Select); the canonical splice donor site of the intron after coding-DNA position 449, T replaced by A.
Molecular consequence: splice donor variant.
Genome position (GRCh38, 1-based): chr11:68,908,339, T>A. VCF-style: chr11-68908339-T-A. GRCh37 (hg19) VCF-style: chr11-68675807-T-A.
Identifiers: ClinVar variation 2930702 (VCV002930702.3), dbSNP rs2495950864, ClinGen allele CA381643404.

ClinVar aggregate classification (germline): Likely pathogenic (1 of 4 stars; one submission).

Conditions:
Autosomal recessive distal spinal muscular atrophy 1. Also called: HMN VI; NEURONOPATHY, SEVERE INFANTILE AXONAL, WITH RESPIRATORY FAILURE; SEVERE INFANTILE AXONAL NEUROPATHY WITH RESPIRATORY FAILURE; SPINAL MUSCULAR ATROPHY, DIAPHRAGMATIC; Spinal muscular atrophy with respiratory distress 1; NEURONOPATHY, DISTAL HEREDITARY MOTOR, HARDING TYPE VI. Identifiers: Orphanet 98920, MedGen C1858517, MONDO:0011436, OMIM 604320.
Charcot-Marie-Tooth disease axonal type 2S. Also called: CHARCOT-MARIE-TOOTH NEUROPATHY, TYPE 2S; CHARCOT-MARIE-TOOTH DISEASE, AXONAL, AUTOSOMAL RECESSIVE, TYPE 2S. Identifiers: Orphanet 443073, MedGen C4015349, MONDO:0014511, OMIM 616155.

Submission:

Labcorp Genetics (formerly Invitae), Labcorp
Classification: Likely pathogenic for Autosomal recessive distal spinal muscular atrophy 1; Charcot-Marie-Tooth disease axonal type 2S. Last evaluated: 2023-04-06. Review status: criteria provided, single submitter. Criteria: Invitae Variant Classification Sherloc (09022015). Collection method: clinical testing. Allele origin: germline.
Comment: In summary, the currently available evidence indicates that the variant is pathogenic, but additional data are needed to prove that conclusively. Therefore, this variant has been classified as Likely Pathogenic. Algorithms developed to predict the effect of sequence changes on RNA splicing suggest that this variant may disrupt the consensus splice site. This variant has not been reported in the literature in individuals affected with IGHMBP2-related conditions. This variant is not present in population databases (gnomAD no frequency). This sequence change affects a donor splice site in intron 3 of the IGHMBP2 gene. It is expected to disrupt RNA splicing. Variants that disrupt the donor or acceptor splice site typically lead to a loss of protein function (PMID: 16199547), and loss-of-function variants in IGHMBP2 are known to be pathogenic (PMID: 14681881, 25439726, 25568292).

Literature cited by the submitters: PubMed 16199547; PubMed 14681881; PubMed 25439726; PubMed 25568292.